The following is an entry in ClinVar:

ClinVar aggregate classification (germline): Uncertain significance. Review status: criteria provided, multiple submitters, no conflicts (2 of 4 stars). 3 submissions from 3 submitters: Uncertain significance (3). Last evaluated 2025-08-08.

Conditions:
Inborn genetic diseases. Identifiers: MedGen C0950123, MeSH D030342.

Allele frequency attached by ClinVar (database versions not stated): gnomAD exomes 0.00002 and 0.00004; TOPMed 0.00002; ExAC 0.00003; gnomAD 0.00003; ESP Exome Variant Server 0.00008.

Submissions (3):

Ambry Genetics
Classification: Uncertain significance for Inborn genetic diseases. Last evaluated: 2025-08-08. Review status: criteria provided, single submitter. Criteria: Ambry Variant Classification Scheme 2023. Collection method: clinical testing. Allele origin: germline.

Labcorp Genetics (formerly Invitae), Labcorp
Classification: Uncertain significance. Last evaluated: 2025-05-13. Review status: criteria provided, single submitter. Criteria: Invitae Variant Classification Sherloc (09022015). Collection method: clinical testing. Allele origin: germline.
Comment: This sequence change replaces serine, which is neutral and polar, with leucine, which is neutral and non-polar, at codon 463 of the RHBDF2 protein (p.Ser463Leu). This variant is present in population databases (rs369966353, gnomAD 0.008%). This variant has not been reported in the literature in individuals affected with RHBDF2-related conditions. ClinVar contains an entry for this variant (Variation ID: 1319627). An algorithm developed to predict the effect of missense changes on protein structure and function (PolyPhen-2) suggests that this variant is likely to be disruptive. In summary, the available evidence is currently insufficient to determine the role of this variant in disease. Therefore, it has been classified as a Variant of Uncertain Significance.

Institute for Clinical Genetics, University Hospital TU Dresden, University Hospital TU Dresden
Classification: Uncertain significance. Last evaluated: 2021-11-03. Review status: criteria provided, single submitter. Criteria: ACMG Guidelines, 2015. Collection method: clinical testing. Allele origin: germline.

NM_001005498.4(RHBDF2):c.1301C>T (p.Ser434Leu)

Gene: RHBDF2 (rhomboid 5 homolog 2; minus strand). Cytogenetic location: 17q25.1.
Variant type: single nucleotide variant.
Coding change: c.1301C>T on transcript NM_001005498.4 (MANE Select); coding-DNA position 1301, C replaced by T.
Protein change: p.Ser434Leu; replaces serine 434 with leucine.
Molecular consequence: missense variant. On other transcripts: non-coding transcript variant (3).
Genome position (GRCh38, 1-based): chr17:76,474,731, G>A on the plus strand (C>T on the coding strand, the complement: RHBDF2 is on the minus strand). VCF-style: chr17-76474731-G-A. GRCh37 (hg19) VCF-style: chr17-74470813-G-A.
Other names: c.1301C>T, p.Ser434Leu (NM_001376228.1, NM_001376229.1, NM_001376230.1); c.1388C>T, p.Ser463Leu (NM_024599.5); short protein forms S434L, S463L.
Identifiers: ClinVar variation 1319627 (VCV001319627.5), dbSNP rs369966353, ClinGen allele CA8787066.